The following is an entry in ClinVar:

NM_001429.4(EP300):c.3052G>A (p.Glu1018Lys)

Genes: EP300 (EP300 lysine acetyltransferase; plus strand), LOC126863158 (BRD4-independent group 4 enhancer GRCh37_chr22:41547383-41548582; plus strand). Cytogenetic location: 22q13.2.
Variant type: single nucleotide variant.
Coding change: c.3052G>A on transcript NM_001429.4 (MANE Select); coding-DNA position 3052, G replaced by A.
Protein change: p.Glu1018Lys; replaces glutamic acid 1018 with lysine.
Molecular consequence: missense variant.
Genome position (GRCh38, 1-based): chr22:41,152,260, G>A. VCF-style: chr22-41152260-G-A. GRCh37 (hg19) VCF-style: chr22-41548264-G-A.
Other names: c.2974G>A, p.Glu992Lys (NM_001362843.2); short protein forms E992K, E1018K.
Identifiers: ClinVar variation 4018330 (VCV004018330.2).

ClinVar aggregate classification (germline): Uncertain significance. Review status: criteria provided, multiple submitters, no conflicts (2 of 4 stars). 2 submissions from 2 submitters: Uncertain significance (2). Last evaluated 2026-06-15.

Conditions:
Inborn genetic diseases. Identifiers: MedGen C0950123, MeSH D030342.
EP300-related disorder. Also called: EP300-related condition; EP300-related disorders.

Submissions (2):

PreventionGenetics, part of Exact Sciences
Classification: Uncertain significance for EP300-related condition. Last evaluated: 2026-06-15. Review status: criteria provided, single submitter. Criteria: ACMG Guidelines, 2015. Collection method: clinical testing. Allele origin: germline.
Comment: The EP300 c.3052G>A variant is predicted to result in the amino acid substitution p.Glu1018Lys. To our knowledge, this variant has not been reported in the literature or in a large population database (gnomAD), indicating this variant is rare. At this time, the clinical significance of this variant is uncertain due to the absence of conclusive functional and genetic evidence.

Ambry Genetics
Classification: Uncertain significance for Inborn genetic diseases. Last evaluated: 2025-06-03. Review status: criteria provided, single submitter. Criteria: Ambry Variant Classification Scheme 2023. Collection method: clinical testing. Allele origin: germline.